The following is an entry in ClinVar:

NM_001365999.1(SZT2):c.5814dup (p.Arg1939fs)

Gene: SZT2 (SZT2 subunit of KICSTOR complex; plus strand). Cytogenetic location: 1p34.2.
Variant type: Duplication.
Coding change: c.5814dup on transcript NM_001365999.1 (MANE Select); coding-DNA position 5814, one base duplicated (T; older notation c.5814dupT).
Protein change: p.Arg1939fs; shifts the reading frame from arginine 1939.
Molecular consequence: frameshift variant.
Genome position (GRCh38, 1-based): chr1:43,434,395, T duplicated; the last of 2 consecutive T bases (chr1:43,434,394-43,434,395); duplicating either gives the same sequence. VCF-style (leftmost placement, unchanged base first): chr1-43434393-A-AT. GRCh37 (hg19) VCF-style: chr1-43900064-A-AT.
Other names: c.5643dup, p.Arg1882fs (NM_015284.4); short protein forms R1939fs, R1882fs.
Identifiers: ClinVar variation 2968584 (VCV002968584.3), dbSNP rs2545835165, ClinGen allele CA2740090677.

ClinVar aggregate classification (germline): Pathogenic (1 of 4 stars; one submission).

Submission:

Labcorp Genetics (formerly Invitae), Labcorp
Classification: Pathogenic. Last evaluated: 2023-12-18. Review status: criteria provided, single submitter. Criteria: Invitae Variant Classification Sherloc (09022015). Collection method: clinical testing. Allele origin: germline.
Comment: This sequence change creates a premature translational stop signal (p.Arg1882Serfs*9) in the SZT2 gene. It is expected to result in an absent or disrupted protein product. Loss-of-function variants in SZT2 are known to be pathogenic (PMID: 23932106, 27248490, 28556953). This variant is not present in population databases (gnomAD no frequency). This variant has not been reported in the literature in individuals affected with SZT2-related conditions. Algorithms developed to predict the effect of sequence changes on RNA splicing suggest that this variant may disrupt the consensus splice site. For these reasons, this variant has been classified as Pathogenic.

Literature cited by the submitters: PubMed 23932106; PubMed 27248490; PubMed 28556953.